The following is an entry in ClinVar:

ClinVar aggregate classification (germline): Likely benign. Review status: criteria provided, multiple submitters, no conflicts (2 of 4 stars). 4 submissions from 4 submitters: Likely benign (4). Last evaluated 2026-07-01.

Conditions:
Cobalamin C disease. Also called: Methylmalonic aciduria with homocystinuria cblC type; Methylmalonic aciduria and homocystinuria, Vitamin B12-responsive; Vitamin B12 metabolic defect with combined deficiency of methylmalonyl-CoA mutase and homocysteine:methyltetrahydrofolate methyltransferase; methylmalonic aciduria and homocystinuria type cblC; Cobalamin-C methylmalonic acidemia and homocystinuria; Methylmalonic acidemia and homocystinuria cblC type. Identifiers: Orphanet 26, Orphanet 79282, MedGen C1848561, MONDO:0010184, OMIM 277400.

gnomAD v4.1: 37 of 1,614,078 alleles (0.0023%); highest among the groups gnomAD compares: South Asian, 0.034%; no homozygotes.

Submissions (4):

CeGaT Center for Human Genetics Tuebingen
Classification: Likely benign. Last evaluated: 2026-07-01. Review status: criteria provided, single submitter. Criteria: CeGaT Center For Human Genetics Tuebingen Variant Classification Criteria Version 2. Collection method: clinical testing. Allele origin: germline. Affected: yes. Observed: 1 variant allele.
Comment: MMACHC: BP4, BP7

Labcorp Genetics (formerly Invitae), Labcorp
Classification: Likely benign for Cobalamin C disease. Last evaluated: 2025-07-25. Review status: criteria provided, single submitter. Criteria: Invitae Variant Classification Sherloc (09022015). Collection method: clinical testing. Allele origin: germline.

Genome-Nilou Lab
Classification: Likely benign for Cobalamin C disease. Last evaluated: 2023-04-11. Review status: criteria provided, single submitter. Criteria: ACMG Guidelines, 2015. Collection method: clinical testing. Allele origin: germline. Affected: no.

Fulgent Genetics
Classification: Likely benign for Cobalamin C disease. Last evaluated: 2022-04-29. Review status: criteria provided, single submitter. Criteria: ACMG Guidelines, 2015. Collection method: clinical testing. Allele origin: unknown.

NM_015506.3(MMACHC):c.615C>T (p.Tyr205=)

Genes: MMACHC (metabolism of cobalamin associated C; plus strand), LOC129930446 (ATAC-STARR-seq lymphoblastoid active region 972; plus strand). Cytogenetic location: 1p34.1.
Variant type: single nucleotide variant.
Coding change: c.615C>T on transcript NM_015506.3 (MANE Select); coding-DNA position 615, C replaced by T.
Protein change: p.Tyr205=; no amino-acid change (tyrosine 205 retained).
Molecular consequence: synonymous variant.
Genome position (GRCh38, 1-based): chr1:45,508,981, C>T. VCF-style: chr1-45508981-C-T. GRCh37 (hg19) VCF-style: chr1-45974653-C-T.
Other names: c.444C>T, p.Tyr148= (NM_001330540.2).
Identifiers: ClinVar variation 1094172 (VCV001094172.12), dbSNP rs747527726, ClinGen allele CA827808.